The following is an entry in ClinVar:

ClinVar aggregate classification (germline): Pathogenic (1 of 4 stars; one submission).

Conditions:
Combined immunodeficiency due to DOCK8 deficiency (HIES2). Also called: Hyper-IgE recurrent infection syndrome, autosomal recessive; HYPER-IgE RECURRENT INFECTION SYNDROME 2, AUTOSOMAL RECESSIVE; HYPER-IgE SYNDROME 2, AUTOSOMAL RECESSIVE, WITH RECURRENT INFECTIONS; DOCK8 Deficiency; HIES autosomal recessive. Identifiers: Orphanet 217390, MedGen C4722305, MONDO:0009478, OMIM 243700.

Submission:

Labcorp Genetics (formerly Invitae), Labcorp
Classification: Pathogenic for Combined immunodeficiency due to DOCK8 deficiency. Last evaluated: 2021-09-21. Review status: criteria provided, single submitter. Criteria: Invitae Variant Classification Sherloc (09022015). Collection method: clinical testing. Allele origin: germline.
Comment: This variant is not present in population databases (ExAC no frequency). This sequence change creates a premature translational stop signal (p.Leu284Argfs*24) in the DOCK8 gene. It is expected to result in an absent or disrupted protein product. Loss-of-function variants in DOCK8 are known to be pathogenic (PMID: 14722525, 19776401). This variant has not been reported in the literature in individuals affected with DOCK8-related conditions. For these reasons, this variant has been classified as Pathogenic.

Literature cited by the submitters: PubMed 14722525; PubMed 19776401.

NM_203447.4(DOCK8):c.851del (p.Leu284fs)

Gene: DOCK8 (dedicator of cytokinesis 8; plus strand). Cytogenetic location: 9p24.3.
Variant type: Deletion.
Coding change: c.851del on transcript NM_203447.4 (MANE Select); coding-DNA position 851, one base deleted (T; older notation c.851delT).
Protein change: p.Leu284fs; shifts the reading frame from leucine 284.
Molecular consequence: frameshift variant.
Genome position (GRCh38, 1-based): chr9:325,694, T deleted. VCF-style (leftmost placement, unchanged base first): chr9-325693-CT-C. GRCh37 (hg19) VCF-style: chr9-325693-CT-C.
Other names: c.647del, p.Leu216fs (NM_001190458.2, NM_001193536.2); short protein forms L284fs, L216fs.
Identifiers: ClinVar variation 1451629 (VCV001451629.6), dbSNP rs2130807292, ClinGen allele CA2573144464.